The following is an entry in ClinVar:

ClinVar aggregate classification (germline): Pathogenic. Review status: reviewed by expert panel (3 of 4 stars). 2 submissions from 2 submitters: Pathogenic (1). 1 of the submissions does not count toward it. Last evaluated 2017-12-15.

Conditions:
Familial cancer of breast. Also called: BREAST CANCER, FAMILIAL; Hereditary breast cancer; hereditary breast carcinoma. Identifiers: Orphanet 227535, MedGen C0346153, MONDO:0016419, OMIM 114480. Disease mechanism: loss of function.
Breast-ovarian cancer, familial, susceptibility to, 2 (BROVCA2). Also called: BRCA2 Hereditary Breast and Ovarian Cancer. Identifiers: Orphanet 145, MedGen C2675520, MONDO:0012933, OMIM 612555. Disease mechanism: loss of function.

Submissions (2):

Evidence-based Network for the Interpretation of Germline Mutant Alleles (ENIGMA)
Classification: Pathogenic for Breast-ovarian cancer, familial, susceptibility to, 2. Last evaluated: 2017-12-15. Review status: reviewed by expert panel. Criteria: ENIGMA BRCA1/2 Classification Criteria (2017-06-29). Collection method: curation. Allele origin: germline. Study: ENIGMA.
Comment: Variant allele predicted to encode a truncated non-functional protein.

ClinVar Staff, National Center for Biotechnology Information (NCBI)
No classification provided. Condition: Familial cancer of breast. Review status: no classification provided. Collection method: literature only. Allele origin: germline. Affected: yes. Not counted in ClinVar's aggregate classification.

Literature cited by the submitters: PubMed 16939956 (cited by ClinVar Staff, National Center for Biotechnology Information (NCBI)).

NM_000059.4(BRCA2):c.9100dup (p.Gln3034fs)

Gene: BRCA2 (BRCA2 DNA repair associated; plus strand). Cytogenetic location: 13q13.1.
Variant type: Duplication.
Coding change: c.9100dup on transcript NM_000059.4 (MANE Select); coding-DNA position 9100, one base duplicated (C; older notation c.9100dupC).
Protein change: p.Gln3034fs; shifts the reading frame from glutamine 3034.
Molecular consequence: frameshift variant.
Genome position (GRCh38, 1-based): chr13:32,379,896, C duplicated. VCF-style (leftmost placement, unchanged base first): chr13-32379895-T-TC. GRCh37 (hg19) VCF-style: chr13-32954032-T-TC.
Other names: c.9100dupC (NM_000059.3); short protein forms Q3034fs.
Identifiers: ClinVar variation 52750 (VCV000052750.3), dbSNP rs397508036, ClinGen allele CA025977.